The following is an entry in ClinVar:

NM_001085411.3(NADK2):c.100C>T (p.Arg34Trp)

Genes: NADK2 (NAD kinase 2, mitochondrial; minus strand), LOC129993801 (ATAC-STARR-seq lymphoblastoid silent region 15972; plus strand). Cytogenetic location: 5p13.2.
Variant type: single nucleotide variant.
Coding change: c.100C>T on transcript NM_001085411.3 (MANE Select); coding-DNA position 100, C replaced by T.
Protein change: p.Arg34Trp; replaces arginine 34 with tryptophan.
Molecular consequence: missense variant. On other transcripts: intron variant (2).
Genome position (GRCh38, 1-based): chr5:36,241,699, G>A on the plus strand (C>T on the coding strand, the complement: NADK2 is on the minus strand). VCF-style: chr5-36241699-G-A. GRCh37 (hg19) VCF-style: chr5-36241801-G-A.
Other names: c.-190+397C>T (NM_153013.5, NM_001287341.2); c.100C>T (NM_001085411.1); short protein forms R34W.
Identifiers: ClinVar variation 2076296 (VCV002076296.5), dbSNP rs865976262, ClinGen allele CA117008044.

ClinVar aggregate classification (germline): Uncertain significance. Review status: criteria provided, multiple submitters, no conflicts (2 of 4 stars). 2 submissions from 2 submitters: Uncertain significance (2). Last evaluated 2024-01-08.

Conditions:
Inborn genetic diseases. Identifiers: MedGen C0950123, MeSH D030342.
Progressive encephalopathy with leukodystrophy due to DECR deficiency. Identifiers: Orphanet 431361, MedGen C1857252, MONDO:0014464, OMIM 616034.

Allele frequency attached by ClinVar (database versions not stated): gnomAD exomes 0.00006; gnomAD 0.00056; TOPMed 0.00061; 1000 Genomes Project 30x 0.00062.
gnomAD v4.1: 154 of 1,127,948 alleles (0.014%); highest among the groups gnomAD compares: African/African-American, 0.22%; 2 homozygotes.

Submissions (2):

Ambry Genetics
Classification: Uncertain significance for Inborn genetic diseases. Last evaluated: 2024-01-08. Review status: criteria provided, single submitter. Criteria: Ambry Variant Classification Scheme 2023. Collection method: clinical testing. Allele origin: germline.

Labcorp Genetics (formerly Invitae), Labcorp
Classification: Uncertain significance for Progressive encephalopathy with leukodystrophy due to DECR deficiency. Last evaluated: 2022-09-27. Review status: criteria provided, single submitter. Criteria: Invitae Variant Classification Sherloc (09022015). Collection method: clinical testing. Allele origin: germline.
Comment: In summary, the available evidence is currently insufficient to determine the role of this variant in disease. Therefore, it has been classified as a Variant of Uncertain Significance. Algorithms developed to predict the effect of missense changes on protein structure and function are either unavailable or do not agree on the potential impact of this missense change (SIFT: "Deleterious"; PolyPhen-2: "Benign"; Align-GVGD: "Class C0"). This variant has not been reported in the literature in individuals affected with NADK2-related conditions. This variant is present in population databases (no rsID available, gnomAD 0.2%), and has an allele count higher than expected for a pathogenic variant. This sequence change replaces arginine, which is basic and polar, with tryptophan, which is neutral and slightly polar, at codon 34 of the NADK2 protein (p.Arg34Trp).